The following is an entry in ClinVar:

ClinVar aggregate classification (germline): Uncertain significance. Review status: criteria provided, multiple submitters, no conflicts (2 of 4 stars). 2 submissions from 2 submitters: Uncertain significance (2). Last evaluated 2025-10-23.

gnomAD v4.1: 30 of 1,614,044 alleles (0.0019%); highest among the groups gnomAD compares: East Asian, 0.011%; no homozygotes.

Submissions (2):

Ambry Genetics
Classification: Uncertain significance. Last evaluated: 2025-10-23. Review status: criteria provided, single submitter. Criteria: Ambry Variant Classification Scheme 2023. Collection method: clinical testing. Allele origin: germline.

Labcorp Genetics (formerly Invitae), Labcorp
Classification: Uncertain significance. Last evaluated: 2024-10-23. Review status: criteria provided, single submitter. Criteria: Invitae Variant Classification Sherloc (09022015). Collection method: clinical testing. Allele origin: germline.
Comment: This sequence change replaces arginine, which is basic and polar, with cysteine, which is neutral and slightly polar, at codon 839 of the NIN protein (p.Arg839Cys). This variant is present in population databases (no rsID available, gnomAD 0.01%). This variant has not been reported in the literature in individuals affected with NIN-related conditions. An algorithm developed to predict the effect of missense changes on protein structure and function outputs the following: PolyPhen-2: "Benign". The cysteine amino acid residue is found in multiple mammalian species, which suggests that this missense change does not adversely affect protein function. In summary, the available evidence is currently insufficient to determine the role of this variant in disease. Therefore, it has been classified as a Variant of Uncertain Significance.

NM_020921.4(NIN):c.2515C>T (p.Arg839Cys)

Gene: NIN (ninein; minus strand). Cytogenetic location: 14q22.1.
Variant type: single nucleotide variant.
Coding change: c.2515C>T on transcript NM_020921.4 (MANE Select); coding-DNA position 2515, C replaced by T.
Protein change: p.Arg839Cys; replaces arginine 839 with cysteine.
Molecular consequence: missense variant. On other transcripts: intron variant (1).
Genome position (GRCh38, 1-based): chr14:50,758,515, G>A on the plus strand (C>T on the coding strand, the complement: NIN is on the minus strand). VCF-style: chr14-50758515-G-A. GRCh37 (hg19) VCF-style: chr14-51225233-G-A.
Other names: c.2515C>T (NM_020921.3); c.2515C>T, p.Arg839Cys (NM_182944.3, NM_182946.2); c.2399+1342C>T (NM_016350.5); short protein forms R839C.
Identifiers: ClinVar variation 3672322 (VCV003672322.3).
Genomic context (GRCh38, chr14:50,758,515, plus strand): 5'-CCCACTGGGATTTCTCCTCACGCTGCTGTTCCTGGAGGTCCTTCAGCTCTTGGCGGTAGC[G>A]CCCCTCCAGGCTTTGCAGAGCGCTTTCACACCTCTCAGTGACTTTCTGACAATCAGACTG-3'
Protein context (NP_065972.4, residues 829-849): CESALQSLEG[Arg839Cys]YRQELKDLQE